The following is an entry in ClinVar:

NM_002506.3(NGF):c.600T>C (p.Tyr200=)

Genes: NGF (nerve growth factor; minus strand), NGF-AS1 (NGF antisense RNA 1; plus strand). Cytogenetic location: 1p13.2.
Variant type: single nucleotide variant.
Coding change: c.600T>C on transcript NM_002506.3 (MANE Select); coding-DNA position 600, T replaced by C.
Protein change: p.Tyr200=; no amino-acid change (tyrosine 200 retained).
Molecular consequence: synonymous variant.
Genome position (GRCh38, 1-based): chr1:115,286,196, A>G on the plus strand (T>C on the coding strand, the complement: NGF is on the minus strand). VCF-style: chr1-115286196-A-G. GRCh37 (hg19) VCF-style: chr1-115828817-A-G.
Identifiers: ClinVar variation 618254 (VCV000618254.18), dbSNP rs774626005, ClinGen allele CA1022946.

ClinVar aggregate classification (germline): Likely benign. Review status: criteria provided, multiple submitters, no conflicts (2 of 4 stars). 3 submissions from 3 submitters: Likely benign (3). Last evaluated 2024-09-23.

Conditions:
Congenital sensory neuropathy with selective loss of small myelinated fibers (HSAN5). Also called: HSAN Type V. Identifiers: Orphanet 64752, MedGen C0020075, MONDO:0012092, OMIM 608654.

Allele frequency attached by ClinVar (database versions not stated): ExAC 0.00001; gnomAD 0.00001; gnomAD exomes 0.00001; TOPMed 0.00001.
gnomAD v4.1: 15 of 1,614,038 alleles (0.00093%); highest among the groups gnomAD compares: Non-Finnish European, 0.0011%; no homozygotes.

Submissions (3):

Labcorp Genetics (formerly Invitae), Labcorp
Classification: Likely benign for Congenital sensory neuropathy with selective loss of small myelinated fibers. Last evaluated: 2024-09-23. Review status: criteria provided, single submitter. Criteria: Invitae Variant Classification Sherloc (09022015). Collection method: clinical testing. Allele origin: germline.

Genome-Nilou Lab
Classification: Likely benign for Congenital sensory neuropathy with selective loss of small myelinated fibers. Last evaluated: 2023-04-11. Review status: criteria provided, single submitter. Criteria: ACMG Guidelines, 2015. Collection method: clinical testing. Allele origin: germline. Affected: no.

ARUP Laboratories, Molecular Genetics and Genomics, ARUP Laboratories
Classification: Likely benign. Last evaluated: 2018-05-08. Review status: criteria provided, single submitter. Criteria: ARUP Molecular Germline Variant Investigation Process. Collection method: clinical testing. Allele origin: germline.
Comment: The p.Tyr200Tyr variant (rs774626005) does not alter the amino acid sequence of the NGF protein and computational splice site prediction algorithms do not predict a change in the nearest splice site or creation of a cryptic splice site. This variant has not been reported in association with sensory neuropathy in medical literature or in gene specific variation databases. This variant is listed in the Genome Aggregation Database (gnomAD) with an overall population frequency of 0.001 percent (identified on 3 out of 246,254 chromosomes). Overall the p.Tyr200Tyr variant is considered to be likely benign.